The following is an entry in ClinVar:

NM_001163435.3(TBCK):c.1071-7_1071-3del

Gene: TBCK (TBC1 domain containing kinase; minus strand). Cytogenetic location: 4q24.
Variant type: Deletion.
Coding change: c.1071-7_1071-3del on transcript NM_001163435.3 (MANE Select); 7 bases into the intron before coding-DNA position 1071 through 3 bases into the intron before coding-DNA position 1071, 5 bases deleted (TTTTC; older notation c.1071-7_1071-3delTTTTC).
Molecular consequence: intron variant.
Genome position (GRCh38, 1-based): chr4:106,242,572-106,242,576, GAAAA deleted on the plus strand (TTTTC on the coding strand, the reverse complement: TBCK is on the minus strand); deleting any 5 consecutive bases within chr4:106,242,572-106,242,580 gives the same sequence; the c. name uses the placement nearest the transcript's 3' end. VCF-style (leftmost placement, unchanged base first): chr4-106242571-TGAAAA-T. GRCh37 (hg19) VCF-style: chr4-107163728-TGAAAA-T.
Other names: c.1071-7_1071-3del (NM_001163436.4); c.882-7_882-3del (NM_033115.5); c.954-7_954-3del (NM_001163437.3); c.555-7_555-3del (NM_001290768.2).
Identifiers: ClinVar variation 1505133 (VCV001505133.5), dbSNP rs750582823, ClinGen allele CA3035199.

ClinVar aggregate classification (germline): Uncertain significance (1 of 4 stars; one submission).

Submission:

Labcorp Genetics (formerly Invitae), Labcorp
Classification: Uncertain significance. Last evaluated: 2021-09-01. Review status: criteria provided, single submitter. Criteria: Invitae Variant Classification Sherloc (09022015). Collection method: clinical testing. Allele origin: germline.
Comment: This sequence change falls in intron 11 of the TBCK gene. It does not directly change the encoded amino acid sequence of the TBCK protein. This variant is present in population databases (rs750582823, ExAC 0.003%). This variant has not been reported in the literature in individuals affected with TBCK-related conditions. Algorithms developed to predict the effect of sequence changes on RNA splicing suggest that this variant may disrupt the consensus splice site. In summary, the available evidence is currently insufficient to determine the role of this variant in disease. Therefore, it has been classified as a Variant of Uncertain Significance.